The following is an entry in ClinVar:

ClinVar aggregate classification (germline): Uncertain significance (1 of 4 stars; one submission).

Conditions:
Long QT syndrome (LQTS). Identifiers: MedGen C0023976, MeSH D008133, MONDO:0002442. Disease mechanism: loss of function. Inheritance: Various modes of inheritance.

gnomAD v4.1: 1 of 1,613,830 alleles (0.000062%); highest among the groups gnomAD compares: Non-Finnish European, 0.000085%; no homozygotes.

Submission:

Labcorp Genetics (formerly Invitae), Labcorp
Classification: Uncertain significance for Long QT syndrome. Last evaluated: 2024-03-29. Review status: criteria provided, single submitter. Criteria: Invitae Variant Classification Sherloc (09022015). Collection method: clinical testing. Allele origin: germline.
Comment: This sequence change replaces alanine, which is neutral and non-polar, with threonine, which is neutral and polar, at codon 1775 of the AKAP9 protein (p.Ala1775Thr). This variant is not present in population databases (gnomAD no frequency). This variant has not been reported in the literature in individuals affected with AKAP9-related conditions. An algorithm developed to predict the effect of missense changes on protein structure and function (PolyPhen-2) suggests that this variant is likely to be tolerated. In summary, the available evidence is currently insufficient to determine the role of this variant in disease. Therefore, it has been classified as a Variant of Uncertain Significance.

NM_005751.5(AKAP9):c.5323G>A (p.Ala1775Thr)

Gene: AKAP9 (A-kinase anchoring protein 9; plus strand). Cytogenetic location: 7q21.2.
Variant type: single nucleotide variant.
Coding change: c.5323G>A on transcript NM_005751.5 (MANE Select); coding-DNA position 5323, G replaced by A.
Protein change: p.Ala1775Thr; replaces alanine 1775 with threonine.
Molecular consequence: missense variant.
Genome position (GRCh38, 1-based): chr7:92,045,168, G>A. VCF-style: chr7-92045168-G-A. GRCh37 (hg19) VCF-style: chr7-91674482-G-A.
Other names: c.5323G>A, p.Ala1775Thr (NM_147185.3); short protein forms A1775T.
Identifiers: ClinVar variation 3683831 (VCV003683831.2).
Genomic context (GRCh38, chr7:92,045,168, plus strand): 5'-GGGATTCTAGATAGATCTAGTAAAAGCCAGTCATCTGCCAGCCTAATTTGGAGGTCAGAA[G>A]CAGAGGCATCTGTAAAGTCATGTGTCCATGAGGAACATACAAGAGGTACTAGTTTTCTGT-3'
Protein context (NP_005742.4, residues 1765-1785): SSASLIWRSE[Ala1775Thr]EASVKSCVHE